The following is an entry in ClinVar:

NM_001492.6(GDF1):c.418G>C (p.Glu140Gln)

Genes: CERS1 (ceramide synthase 1; minus strand), GDF1 (growth differentiation factor 1; minus strand). Cytogenetic location: 19p13.11.
Variant type: single nucleotide variant.
Coding change: c.418G>C on transcript NM_001492.6 (MANE Select); coding-DNA position 418, G replaced by C.
Protein change: p.Glu140Gln; replaces glutamic acid 140 with glutamine.
Molecular consequence: missense variant. On other transcripts: 3 prime UTR variant (2).
Genome position (GRCh38, 1-based): chr19:18,869,298, C>G on the plus strand (G>C on the coding strand, the complement: GDF1 is on the minus strand). VCF-style: chr19-18869298-C-G. GRCh37 (hg19) VCF-style: chr19-18980107-C-G.
Other names: c.*1279G>C (NM_001387440.1); c.*687G>C (NM_021267.5); c.418G>C, p.Glu140Gln (NM_001387438.1); short protein forms E140Q.
Identifiers: ClinVar variation 2444799 (VCV002444799.2), dbSNP rs2055916091, ClinGen allele CA404863315.

ClinVar aggregate classification (germline): Uncertain significance (1 of 4 stars; one submission).

Submission:

GeneDx
Classification: Uncertain significance. Last evaluated: 2023-08-29. Review status: criteria provided, single submitter. Criteria: GeneDx Variant Classification Process June 2021. Collection method: clinical testing. Allele origin: germline.
Comment: Not observed at significant frequency in large population cohorts (gnomAD); In silico analysis supports that this missense variant does not alter protein structure/function; Has not been previously published as pathogenic or benign to our knowledge